The following is an entry in ClinVar:

NM_014003.4(DHX38):c.1648A>G (p.Ile550Val)

Gene: DHX38 (DEAH-box helicase 38; plus strand). Cytogenetic location: 16q22.2.
Variant type: single nucleotide variant.
Coding change: c.1648A>G on transcript NM_014003.4 (MANE Select); coding-DNA position 1648, A replaced by G.
Protein change: p.Ile550Val; replaces isoleucine 550 with valine.
Molecular consequence: missense variant.
Genome position (GRCh38, 1-based): chr16:72,103,612, A>G. VCF-style: chr16-72103612-A-G. GRCh37 (hg19) VCF-style: chr16-72137511-A-G.
Other names: short protein forms I550V.
Identifiers: ClinVar variation 1044229 (VCV001044229.9), dbSNP rs773675029, ClinGen allele CA8160373.

ClinVar aggregate classification (germline): Uncertain significance. Review status: criteria provided, multiple submitters, no conflicts (2 of 4 stars). 2 submissions from 2 submitters: Uncertain significance (2). Last evaluated 2022-11-11.

Allele frequency attached by ClinVar (database versions not stated): gnomAD 0.00001; ExAC 0.00002; gnomAD exomes 0.00002 and 0.00008; TOPMed 0.00002.
gnomAD v4.1: 116 of 1,608,278 alleles (0.0072%); highest among the groups gnomAD compares: Non-Finnish European, 0.0099%; no homozygotes.

Submissions (2):

Blueprint Genetics
Classification: Uncertain significance. Last evaluated: 2022-11-11. Review status: criteria provided, single submitter. Criteria: ACMG Guidelines, 2015. Collection method: clinical testing. Allele origin: germline.

Labcorp Genetics (formerly Invitae), Labcorp
Classification: Uncertain significance. Last evaluated: 2022-09-27. Review status: criteria provided, single submitter. Criteria: Invitae Variant Classification Sherloc (09022015). Collection method: clinical testing. Allele origin: germline.
Comment: Advanced modeling of protein sequence and biophysical properties (such as structural, functional, and spatial information, amino acid conservation, physicochemical variation, residue mobility, and thermodynamic stability) performed at Invitae indicates that this missense variant is not expected to disrupt DHX38 protein function. In summary, the available evidence is currently insufficient to determine the role of this variant in disease. Therefore, it has been classified as a Variant of Uncertain Significance. ClinVar contains an entry for this variant (Variation ID: 1044229). This variant has not been reported in the literature in individuals affected with DHX38-related conditions. This variant is present in population databases (rs773675029, gnomAD 0.006%). This sequence change replaces isoleucine, which is neutral and non-polar, with valine, which is neutral and non-polar, at codon 550 of the DHX38 protein (p.Ile550Val).